The following is an entry in ClinVar:

ClinVar aggregate classification (germline): Uncertain significance (1 of 4 stars; one submission).

Allele frequency attached by ClinVar (database versions not stated): TOPMed 0.00001; gnomAD 0.00002; gnomAD exomes 0.00002 and 0.00004.
gnomAD v4.1: 65 of 1,614,092 alleles (0.004%); highest among the groups gnomAD compares: Non-Finnish European, 0.0053%; no homozygotes.

Submission:

Labcorp Genetics (formerly Invitae), Labcorp
Classification: Uncertain significance. Last evaluated: 2021-08-31. Review status: criteria provided, single submitter. Criteria: Invitae Variant Classification Sherloc (09022015). Collection method: clinical testing. Allele origin: germline.
Comment: This sequence change replaces glycine with serine at codon 2899 of the SZT2 protein (p.Gly2899Ser). The glycine residue is highly conserved and there is a small physicochemical difference between glycine and serine. This variant is present in population databases (rs201072050, ExAC 0.003%). This variant has not been reported in the literature in individuals affected with SZT2-related conditions. Algorithms developed to predict the effect of missense changes on protein structure and function output the following: SIFT: "Tolerated"; PolyPhen-2: "Possibly Damaging"; Align-GVGD: "Class C0". The serine amino acid residue is found in multiple mammalian species, which suggests that this missense change does not adversely affect protein function. In summary, the available evidence is currently insufficient to determine the role of this variant in disease. Therefore, it has been classified as a Variant of Uncertain Significance.

NM_001365999.1(SZT2):c.8866G>A (p.Gly2956Ser)

Gene: SZT2 (SZT2 subunit of KICSTOR complex; plus strand). Cytogenetic location: 1p34.2.
Variant type: single nucleotide variant.
Coding change: c.8866G>A on transcript NM_001365999.1 (MANE Select); coding-DNA position 8866, G replaced by A.
Protein change: p.Gly2956Ser; replaces glycine 2956 with serine.
Molecular consequence: missense variant.
Genome position (GRCh38, 1-based): chr1:43,445,934, G>A. VCF-style: chr1-43445934-G-A. GRCh37 (hg19) VCF-style: chr1-43911605-G-A.
Other names: c.8695G>A, p.Gly2899Ser (NM_015284.4); short protein forms G2899S, G2956S.
Identifiers: ClinVar variation 1059640 (VCV001059640.6), dbSNP rs201072050, ClinGen allele CA810725.